The following is an entry in ClinVar:

NM_000284.4(PDHA1):c.*864G>A

Genes: PDHA1 (pyruvate dehydrogenase E1 subunit alpha 1; plus strand), MAP3K15 (mitogen-activated protein kinase kinase kinase 15; minus strand). Cytogenetic location: Xp22.12.
Variant type: single nucleotide variant.
Coding change: c.*864G>A on transcript NM_000284.4 (MANE Select); 864 bases downstream of the stop codon, G replaced by A.
Molecular consequence: 3 prime UTR variant.
Genome position (GRCh38, 1-based): chrX:19,360,517, G>A. VCF-style: chrX-19360517-G-A. GRCh37 (hg19) VCF-style: chrX-19378635-G-A.
Other names: NC_000023.10:g.19378635G>A; c.*232C>T (NM_001001671.4); c.*864G>A (NM_001173454.2, NM_001173455.2, NM_001173456.2).
Identifiers: ClinVar variation 914970 (VCV000914970.5), dbSNP rs192450087, ClinGen allele CA327032195.

ClinVar aggregate classification (germline): Benign (1 of 4 stars; one submission).

Conditions:
Pyruvate dehydrogenase E1-alpha deficiency (PDHAD). Also called: Ataxia, intermittent, with pyruvate dehydrogenase, or decarboxylase, deficiency; ATAXIA, INTERMITTENT, WITH PYRUVATE DEHYDROGENASE DEFICIENCY; ATAXIA WITH LACTIC ACIDOSIS I; ATAXIA, INTERMITTENT, WITH ABNORMAL PYRUVATE METABOLISM. Identifiers: Orphanet 79243, MedGen C1839413, MONDO:0010717, OMIM 312170.

Allele frequency attached by ClinVar (database versions not stated): 1000 Genomes Project 30x 0.00104; 1000 Genomes Project 0.00106; gnomAD 0.00184 and 0.00203; TOPMed 0.00200.
gnomAD v4.1: 246 of 307,290 alleles (0.08%); highest among the groups gnomAD compares: African/African-American, 0.61%; no homozygotes.

Submissions (2):

Illumina Laboratory Services, Illumina
Classification: Benign for Pyruvate dehydrogenase E1-alpha deficiency. Last evaluated: 2018-01-12. Review status: criteria provided, single submitter. Criteria: ICSL Variant Classification Criteria 13 December 2019. Collection method: clinical testing. Allele origin: germline.
Comment: This variant was observed in the ICSL laboratory as part of a predisposition screen in an ostensibly healthy population. It had not been previously curated by ICSL or reported in the Human Gene Mutation Database (HGMD: prior to June 1st, 2018), and was therefore a candidate for classification through an automated scoring system. Utilizing variant allele frequency, disease prevalence and penetrance estimates, and inheritance mode, an automated score was calculated to assess if this variant is too frequent to cause the disease. Based on the score and internal cut-off values, a variant classified as benign is not then subjected to further curation. The score for this variant resulted in a classification of benign for this disease.

Dr. Peter K. Rogan Lab, Western University
No classification provided (evidence only). Condition: Familial cancer of breast. Review status: no classification provided. Collection method: in vitro. Allele origin: not applicable. Functional consequence: retained intron. Not counted in ClinVar's aggregate classification.